The following is an entry in ClinVar:

ClinVar aggregate classification (germline): Pathogenic. Review status: criteria provided, single submitter (1 of 4 stars). 2 submissions from 2 submitters: Pathogenic (1). 1 of the submissions does not count toward it. Last evaluated 2023-12-22.

Conditions:
Auditory neuropathy. Identifiers: MedGen C1852271, MONDO:0021944.
Autosomal recessive nonsyndromic hearing loss 9. Also called: NEUROSENSORY NONSYNDROMIC RECESSIVE DEAFNESS 9; OTOF-Related Hearing Loss; Deafness, autosomal recessive 9; AUDITORY NEUROPATHY, AUTOSOMAL RECESSIVE, 1, TEMPERATURE-SENSITIVE. Identifiers: Orphanet 90636, MedGen C1832828, MONDO:0010986, OMIM 601071.

Submissions (2):

WangQJ Lab, Chinese People's Liberation Army General Hospital
Classification: Pathogenic for Auditory neuropathy. Last evaluated: 2023-12-22. Review status: criteria provided, single submitter. Criteria: Submitter's publication. Collection method: research. Allele origin: germline. Affected: yes. Observed: 1 variant allele.

Diagnosis and Treatment Center of Genetic Hearing Loss, Eye & ENT Hospital of Fudan University
Classification: Pathogenic for Autosomal recessive nonsyndromic hearing loss 9. Last evaluated: 2026-02-04. Review status: no assertion criteria provided. Collection method: clinical testing. Allele origin: germline. Inheritance: Autosomal recessive inheritance. Affected: yes. Not counted in ClinVar's aggregate classification.
Comment: The c.5833del frameshift variant in OTOF leads to a premature stop codon at amino acid 1945 (PVS1). It is absent from population databases (PM2_Supporting). It was detected in trans with pathogenic c.1966del (c.[5833del];[1966del]) (PM3).

NM_194323.3(OTOF):c.3532del (p.Val1178fs)

Gene: OTOF (otoferlin; minus strand). Cytogenetic location: 2p23.3.
Variant type: Deletion.
Coding change: c.3532del on transcript NM_194323.3 (MANE Plus Clinical); coding-DNA position 3532, one base deleted (G; older notation c.3532delG).
Protein change: p.Val1178fs; shifts the reading frame from valine 1178.
Molecular consequence: frameshift variant. On other transcripts: 3 prime UTR variant (3).
Genome position (GRCh38, 1-based): chr2:26,458,201, C deleted on the plus strand (G on the coding strand, the reverse complement: OTOF is on the minus strand). VCF-style (leftmost placement, unchanged base first): chr2-26458200-AC-A. GRCh37 (hg19) VCF-style: chr2-26681068-AC-A.
Other names: c.5833delG (NM_001287489.2); c.5833del, p.Val1945fs (NM_001287489.2); c.*37del (NM_004802.4, NM_194248.3, NM_194322.3); short protein forms V1178fs, V1945fs.
Identifiers: ClinVar variation 2683865 (VCV002683865.2), dbSNP rs2465473118, ClinGen allele CA2697547844.